The following is an entry in ClinVar:

ClinVar aggregate classification (germline): Uncertain significance. Review status: criteria provided, multiple submitters, no conflicts (2 of 4 stars). 3 submissions from 3 submitters: Uncertain significance (3). Last evaluated 2023-01-26.

Conditions:
Emery-Dreifuss muscular dystrophy 4, autosomal dominant (EDMD4). Also called: EMERY-DREIFUSS MUSCULAR DYSTROPHY 4 WITH VARIABLE FEATURES. Identifiers: Orphanet 261, MedGen C2751807, MONDO:0013071, OMIM 612998.
Autosomal recessive ataxia, Beauce type. Also called: Spinocerebellar ataxia, autosomal recessive 8; ATAXIA, RECESSIVE, OF BEAUCE; SYNE1-Related Autosomal Recessive Cerebellar Ataxia; SYNE1 Deficiency. Identifiers: Orphanet 88644, MedGen C1853116, MONDO:0012549, OMIM 610743.

Allele frequency attached by ClinVar (database versions not stated): gnomAD exomes 0.00002; gnomAD 0.00003; ExAC 0.00009.
gnomAD v4.1: 40 of 1,614,100 alleles (0.0025%); highest among the groups gnomAD compares: South Asian, 0.042%; no homozygotes.

Submissions (3):

GeneDx
Classification: Uncertain significance. Last evaluated: 2023-01-26. Review status: criteria provided, single submitter. Criteria: GeneDx Variant Classification Process June 2021. Collection method: clinical testing. Allele origin: germline. Affected: yes.
Comment: In silico analysis supports that this missense variant does not alter protein structure/function; Has not been previously published as pathogenic or benign to our knowledge

Labcorp Genetics (formerly Invitae), Labcorp
Classification: Uncertain significance for Emery-Dreifuss muscular dystrophy 4, autosomal dominant; Autosomal recessive ataxia, Beauce type. Last evaluated: 2022-04-08. Review status: criteria provided, single submitter. Criteria: Invitae Variant Classification Sherloc (09022015). Collection method: clinical testing. Allele origin: germline.
Comment: This sequence change replaces valine, which is neutral and non-polar, with leucine, which is neutral and non-polar, at codon 2914 of the SYNE1 protein (p.Val2914Leu). This variant is present in population databases (rs748658983, gnomAD 0.06%). This variant has not been reported in the literature in individuals affected with SYNE1-related conditions. Algorithms developed to predict the effect of missense changes on protein structure and function are either unavailable or do not agree on the potential impact of this missense change (SIFT: "Deleterious"; PolyPhen-2: "Benign"; Align-GVGD: "Class C0"). In summary, the available evidence is currently insufficient to determine the role of this variant in disease. Therefore, it has been classified as a Variant of Uncertain Significance.

Revvity Omics, Revvity
Classification: Uncertain significance. Last evaluated: 2020-11-20. Review status: criteria provided, single submitter. Criteria: ACMG Guidelines, 2015. Collection method: clinical testing. Allele origin: germline.

NM_182961.4(SYNE1):c.8719G>T (p.Val2907Leu)

Genes: SYNE1 (spectrin repeat containing nuclear envelope protein 1; minus strand), SYNE1-AS1 (SYNE1 antisense RNA 1; plus strand). Cytogenetic location: 6q25.2.
Variant type: single nucleotide variant.
Coding change: c.8719G>T on transcript NM_182961.4 (MANE Select); coding-DNA position 8719, G replaced by T.
Protein change: p.Val2907Leu; replaces valine 2907 with leucine.
Molecular consequence: missense variant. On other transcripts: non-coding transcript variant (1).
Genome position (GRCh38, 1-based): chr6:152,381,296, C>A on the plus strand (G>T on the coding strand, the complement: SYNE1 is on the minus strand). VCF-style: chr6-152381296-C-A. GRCh37 (hg19) VCF-style: chr6-152702431-C-A.
Other names: c.8740G>T, p.Val2914Leu (NM_033071.5); short protein forms V2907L, V2914L.
Identifiers: ClinVar variation 2172751 (VCV002172751.5), dbSNP rs748658983, ClinGen allele CA4057471.